The following is an entry in ClinVar:

ClinVar aggregate classification (germline): Likely benign. Review status: criteria provided, multiple submitters, no conflicts (2 of 4 stars). 8 submissions from 8 submitters: Likely benign (8). Last evaluated 2026-01-31.

Conditions:
Cardiovascular phenotype. Identifiers: MedGen CN230736.
Arrhythmogenic right ventricular cardiomyopathy (ARVD). Also called: Cardiomyopathy, ARVC; Arrhythmogenic right ventricular dysplasia; Arrhythmogenic cardiomyopathy; Arrhythmogenic Right Ventricular Cardiomyopathy (ARVC). Identifiers: Orphanet 247, MedGen C0349788, MeSH D019571, MONDO:0016587. Disease mechanism: loss of function. Inheritance: Various modes of inheritance.
Cardiomyopathy (CMYO). Also called: Cardiomyopathies. Identifiers: Orphanet 167848, MedGen C0878544, MONDO:0004994, HP:0001638. Inheritance: Various modes of inheritance.
Arrhythmogenic right ventricular dysplasia 10. Also called: Arrhythmogenic right ventricular dysplasia/cardiomyopathy, type 10; Arrhythmogenic Right Ventricular Dysplasia/Cardiomyopathy10; ARRHYTHMOGENIC RIGHT VENTRICULAR DYSPLASIA, FAMILIAL, 10. Identifiers: MedGen C1857777, MONDO:0012434, OMIM 610193.

Allele frequency attached by ClinVar (database versions not stated): ExAC 0.00004; gnomAD exomes 0.00005 and 0.00014; gnomAD 0.00006; TOPMed 0.00006; ESP Exome Variant Server 0.00025.
gnomAD v4.1: 209 of 1,614,050 alleles (0.013%); highest among the groups gnomAD compares: Non-Finnish European, 0.017%; 1 homozygote.

Submissions (8):

Labcorp Genetics (formerly Invitae), Labcorp
Classification: Likely benign for Arrhythmogenic right ventricular dysplasia 10. Last evaluated: 2026-01-31. Review status: criteria provided, single submitter. Criteria: Invitae Variant Classification Sherloc (09022015). Collection method: clinical testing. Allele origin: germline.

Mayo Clinic Laboratories, Mayo Clinic
Classification: Likely benign. Last evaluated: 2025-03-19. Review status: criteria provided, single submitter. Criteria: ACMG Guidelines, 2015. Collection method: clinical testing. Allele origin: germline. Observed: 2 variant alleles.
Comment: BP4, BP7, PM2_supporting

All of Us Research Program, National Institutes of Health
Classification: Likely benign for Arrhythmogenic right ventricular cardiomyopathy. Last evaluated: 2023-12-07. Review status: criteria provided, single submitter. Criteria: ACMG Guidelines, 2015. Collection method: clinical testing. Allele origin: germline. Inheritance: Autosomal dominant inheritance. Observed: 28 variant alleles, 28 heterozygotes.
Comment: This study involves interpretation of variants in research participants for the purpose of population health screening. Participant phenotype was not available at the time of variant classification. Additional details can be found in publication PMID: 35346344, PMCID: PMC8962531

Women's Health and Genetics/Laboratory Corporation of America, LabCorp
Classification: Likely benign. Last evaluated: 2021-10-09. Review status: criteria provided, single submitter. Criteria: LabCorp Variant Classification Summary - May 2015. Collection method: clinical testing. Allele origin: germline.

GeneDx
Classification: Likely benign. Last evaluated: 2020-05-20. Review status: criteria provided, single submitter. Criteria: GeneDx Variant Classification Process June 2021. Collection method: clinical testing. Allele origin: germline. Affected: yes.

Ambry Genetics
Classification: Likely benign for Cardiovascular phenotype. Last evaluated: 2020-02-27. Review status: criteria provided, single submitter. Criteria: Ambry Variant Classification Scheme 2023. Collection method: clinical testing. Allele origin: germline.

Color Diagnostics, LLC DBA Color Health
Classification: Likely benign for Cardiomyopathy. Last evaluated: 2018-11-08. Review status: criteria provided, single submitter. Criteria: ACMG Guidelines, 2015. Collection method: clinical testing. Allele origin: germline.

ARUP Laboratories, Molecular Genetics and Genomics, ARUP Laboratories
Classification: Likely benign. Last evaluated: 2018-05-14. Review status: criteria provided, single submitter. Criteria: ARUP Molecular Germline Variant Investigation Process. Collection method: clinical testing. Allele origin: germline.
Comment: The p.Ser363Ser variant (rs372598337) does not alter the amino acid sequence of the DSG2 protein and computational splice site prediction algorithms do not predict a change in the nearest splice site or creation of a cryptic splice site. This variant has not been reported in association with cardiomyopathy in medical literature or in gene specific variation databases. This variant is listed in the Genome Aggregation Database (gnomAD) with an overall population frequency of 0.006 percent (identified on 16 out of 277,022 chromosomes) and has been reported to the ClinVar database as a likely benign variant (Variant ID: 416112). Based on these observations, the p.Ser363Ser variant is likely to be benign.

NM_001943.5(DSG2):c.1089G>A (p.Ser363=)

Gene: DSG2 (desmoglein 2; plus strand). Cytogenetic location: 18q12.1.
Variant type: single nucleotide variant.
Coding change: c.1089G>A on transcript NM_001943.5 (MANE Select); coding-DNA position 1089, G replaced by A.
Protein change: p.Ser363=; no amino-acid change (serine 363 retained).
Molecular consequence: synonymous variant.
Genome position (GRCh38, 1-based): chr18:31,531,061, G>A. VCF-style: chr18-31531061-G-A. GRCh37 (hg19) VCF-style: chr18-29111024-G-A.
Other names: p.Ser363=; c.1089G>A (LRG_397t1).
Identifiers: ClinVar variation 416112 (VCV000416112.27), dbSNP rs372598337, ClinGen allele CA041348.